The following is an entry in ClinVar:

ClinVar aggregate classification (germline): Uncertain significance. Review status: criteria provided, multiple submitters, no conflicts (2 of 4 stars). 2 submissions from 2 submitters: Uncertain significance (2). Last evaluated 2025-12-16.

Conditions:
Inborn genetic diseases. Identifiers: MedGen C0950123, MeSH D030342.
Congenital myasthenic syndrome 8. Also called: Myasthenic syndrome, congenital, 8, with pre- and postsynaptic defects; MYASTHENIC SYNDROME, CONGENITAL, DUE TO AGRIN DEFICIENCY. Identifiers: Orphanet 590, MedGen C3808739, MONDO:0014052, OMIM 615120.

Allele frequency attached by ClinVar (database versions not stated): gnomAD 0.00002; TOPMed 0.00002.
gnomAD v4.1: 14 of 1,592,094 alleles (0.00088%); highest among the groups gnomAD compares: Non-Finnish European, 0.0012%; no homozygotes.

Submissions (2):

Ambry Genetics
Classification: Uncertain significance for Inborn genetic diseases. Last evaluated: 2025-12-16. Review status: criteria provided, single submitter. Criteria: Ambry Variant Classification Scheme 2023. Collection method: clinical testing. Allele origin: germline.

Labcorp Genetics (formerly Invitae), Labcorp
Classification: Uncertain significance for Congenital myasthenic syndrome 8. Last evaluated: 2022-08-16. Review status: criteria provided, single submitter. Criteria: Invitae Variant Classification Sherloc (09022015). Collection method: clinical testing. Allele origin: germline.
Comment: This sequence change replaces proline, which is neutral and non-polar, with serine, which is neutral and polar, at codon 319 of the AGRN protein (p.Pro319Ser). The frequency data for this variant in the population databases is considered unreliable, as metrics indicate poor data quality at this position in the gnomAD database. This variant has not been reported in the literature in individuals affected with AGRN-related conditions. ClinVar contains an entry for this variant (Variation ID: 941502). Algorithms developed to predict the effect of missense changes on protein structure and function are either unavailable or do not agree on the potential impact of this missense change (SIFT: "Tolerated"; PolyPhen-2: "Possibly Damaging"; Align-GVGD: "Class C0"). In summary, the available evidence is currently insufficient to determine the role of this variant in disease. Therefore, it has been classified as a Variant of Uncertain Significance.

NM_198576.4(AGRN):c.955C>T (p.Pro319Ser)

Gene: AGRN (agrin; plus strand). Cytogenetic location: 1p36.33.
Variant type: single nucleotide variant.
Coding change: c.955C>T on transcript NM_198576.4 (MANE Select); coding-DNA position 955, C replaced by T.
Protein change: p.Pro319Ser; replaces proline 319 with serine.
Molecular consequence: missense variant.
Genome position (GRCh38, 1-based): chr1:1,041,480, C>T. VCF-style: chr1-1041480-C-T. GRCh37 (hg19) VCF-style: chr1-976860-C-T.
Other names: c.955C>T, p.Pro319Ser (NM_001305275.2); c.640C>T, p.Pro214Ser (NM_001364727.2); short protein forms P214S, P319S.
Identifiers: ClinVar variation 941502 (VCV000941502.7), dbSNP rs1445446461, ClinGen allele CA337825487.